The following is an entry in ClinVar:

ClinVar aggregate classification (germline): Uncertain significance (1 of 4 stars; one submission).

Submission:

Labcorp Genetics (formerly Invitae), Labcorp
Classification: Uncertain significance. Last evaluated: 2025-02-24. Review status: criteria provided, single submitter. Criteria: Invitae Variant Classification Sherloc (09022015). Collection method: clinical testing. Allele origin: germline.
Comment: This sequence change replaces glutamic acid, which is acidic and polar, with lysine, which is basic and polar, at codon 751 of the NEXMIF protein (p.Glu751Lys). This variant is not present in population databases (gnomAD no frequency). This variant has not been reported in the literature in individuals affected with NEXMIF-related conditions. ClinVar contains an entry for this variant (Variation ID: 2821046). An algorithm developed to predict the effect of missense changes on protein structure and function (PolyPhen-2) suggests that this variant is likely to be tolerated. In summary, the available evidence is currently insufficient to determine the role of this variant in disease. Therefore, it has been classified as a Variant of Uncertain Significance.

NM_001008537.3(NEXMIF):c.2251G>A (p.Glu751Lys)

Gene: NEXMIF (neurite extension and migration factor; minus strand). Cytogenetic location: Xq13.3.
Variant type: single nucleotide variant.
Coding change: c.2251G>A on transcript NM_001008537.3 (MANE Select); coding-DNA position 2251, G replaced by A.
Protein change: p.Glu751Lys; replaces glutamic acid 751 with lysine.
Molecular consequence: missense variant.
Genome position (GRCh38, 1-based): chrX:74,742,306, C>T on the plus strand (G>A on the coding strand, the complement: NEXMIF is on the minus strand). VCF-style: chrX-74742306-C-T. GRCh37 (hg19) VCF-style: chrX-73962141-C-T.
Other names: short protein forms E751K.
Identifiers: ClinVar variation 2821046 (VCV002821046.3), dbSNP rs2519914271, ClinGen allele CA413668635.